The following is an entry in ClinVar:

ClinVar aggregate classification (germline): Uncertain significance (1 of 4 stars; one submission).

Submission:

ISCA site 15
Classification: Uncertain significance. Last evaluated: 2011-08-12. Review status: criteria provided, single submitter. Criteria: Kaminsky et al. (Genet Med. 2011). Collection method: clinical testing. Allele origin: maternal. Affected: yes. Observed: 1 variant allele.
Comment: Copy number variation identified through the course of routine clinical cytogenomic testing in postnatal populations. Clinical assertions have been curated as described in Kaminsky et al. 2011.

GRCh38/hg38 7p21.1(chr7:17183146-17612077)x3

Genes: AHR (aryl hydrocarbon receptor; plus strand), LINC02888 (long intergenic non-protein coding RNA 2888; plus strand), LINC02889 (long intergenic non-protein coding RNA 2889; minus strand), LOC123924913 (Sharpr-MPRA regulatory region 7324; plus strand), LOC126859950 (P300/CBP strongly-dependent group 1 enhancer GRCh37_chr7:17273731-17274930; plus strand) and 7 more. Cytogenetic location: 7p21.1.
Variant type: copy number gain.
Change: copy number 3 (three copies instead of two) of chr7:17,183,146-17,612,077 (428.9 kb, GRCh38 coordinates, 1-based), cytogenetic band 7p21.1.
Identifiers: ClinVar variation 59570 (VCV000059570.1).